The following is an entry in ClinVar:

NM_001122955.4(BSCL2):c.1072+3A>G

Genes: BSCL2 (BSCL2 lipid droplet biogenesis associated, seipin; minus strand), HNRNPUL2-BSCL2 (HNRNPUL2-BSCL2 readthrough (NMD candidate); minus strand). Cytogenetic location: 11q12.3.
Variant type: single nucleotide variant.
Coding change: c.1072+3A>G on transcript NM_001122955.4 (MANE Select); 3 bases into the intron after coding-DNA position 1072, A replaced by G.
Molecular consequence: intron variant.
Genome position (GRCh38, 1-based): chr11:62,691,072, T>C on the plus strand (A>G on the coding strand, the complement: BSCL2 is on the minus strand). VCF-style: chr11-62691072-T-C. GRCh37 (hg19) VCF-style: chr11-62458544-T-C.
Other names: c.738+3A>G (NM_001130702.2); c.880+3A>G (NM_032667.6); c.1072+3A>G (NM_001386028.1, NM_001386027.1).
Identifiers: ClinVar variation 2079274 (VCV002079274.4), dbSNP rs746825449, ClinGen allele CA6053347.

ClinVar aggregate classification (germline): Uncertain significance (1 of 4 stars; one submission).

Conditions:
Charcot-Marie-Tooth disease type 2. Also called: Charcot-Marie-Tooth type 2. Identifiers: Orphanet 64746, MedGen C0270914, MONDO:0018993.

Allele frequency attached by ClinVar (database versions not stated): gnomAD 0.00001; gnomAD exomes 0.00001; TOPMed 0.00001; ExAC 0.00002.
gnomAD v4.1: 10 of 1,614,066 alleles (0.00062%); highest among the groups gnomAD compares: Admixed American, 0.0017%; no homozygotes.

Submission:

Labcorp Genetics (formerly Invitae), Labcorp
Classification: Uncertain significance for Charcot-Marie-Tooth disease type 2. Last evaluated: 2022-10-19. Review status: criteria provided, single submitter. Criteria: Invitae Variant Classification Sherloc (09022015). Collection method: clinical testing. Allele origin: germline.
Comment: In summary, the available evidence is currently insufficient to determine the role of this variant in disease. Therefore, it has been classified as a Variant of Uncertain Significance. Variants that disrupt the consensus splice site are a relatively common cause of aberrant splicing (PMID: 17576681, 9536098). Algorithms developed to predict the effect of sequence changes on RNA splicing suggest that this variant may create or strengthen a splice site. This variant has not been reported in the literature in individuals affected with BSCL2-related conditions. This variant is present in population databases (rs746825449, gnomAD 0.003%). This sequence change falls in intron 8 of the BSCL2 gene. It does not directly change the encoded amino acid sequence of the BSCL2 protein. It affects a nucleotide within the consensus splice site.

Literature cited by the submitters: PubMed 17576681; PubMed 9536098.